The following is an entry in ClinVar:

ClinVar aggregate classification (germline): Uncertain significance. Review status: criteria provided, multiple submitters, no conflicts (2 of 4 stars). 2 submissions from 2 submitters: Uncertain significance (2). Last evaluated 2025-09-19.

Conditions:
Colorectal cancer, hereditary nonpolyposis, type 7. Identifiers: Orphanet 144, MedGen C1858380, MONDO:0013725, OMIM 614385.

Allele frequency attached by ClinVar (database versions not stated): TOPMed below 0.00001; ExAC 0.00001; gnomAD exomes 0.00001; gnomAD 0.00002.
gnomAD v4.1: 13 of 1,614,024 alleles (0.00081%); highest among the groups gnomAD compares: African/African-American, 0.0013%; no homozygotes.

Submissions (2):

Ambry Genetics
Classification: Uncertain significance. Last evaluated: 2025-09-19. Review status: criteria provided, single submitter. Criteria: Ambry Variant Classification Scheme 2023. Collection method: clinical testing. Allele origin: germline.
Comment: The p.R1320I variant (also known as c.3959G>T), located in coding exon 8 of the MLH3 gene, results from a G to T substitution at nucleotide position 3959. The arginine at codon 1320 is replaced by isoleucine, an amino acid with similar properties. This amino acid position is highly conserved in available vertebrate species. In addition, this alteration is predicted to be deleterious by in silico analysis. Since supporting evidence is limited at this time, the clinical significance of this alteration remains unclear.

Labcorp Genetics (formerly Invitae), Labcorp
Classification: Uncertain significance for Colorectal cancer, hereditary nonpolyposis, type 7. Last evaluated: 2025-06-06. Review status: criteria provided, single submitter. Criteria: Invitae Variant Classification Sherloc (09022015). Collection method: clinical testing. Allele origin: germline.
Comment: This sequence change replaces arginine, which is basic and polar, with isoleucine, which is neutral and non-polar, at codon 1320 of the MLH3 protein (p.Arg1320Ile). This variant is present in population databases (rs769478973, gnomAD 0.002%). This variant has not been reported in the literature in individuals affected with MLH3-related conditions. ClinVar contains an entry for this variant (Variation ID: 2889333). An algorithm developed to predict the effect of missense changes on protein structure and function (PolyPhen-2) suggests that this variant is likely to be disruptive. In summary, the available evidence is currently insufficient to determine the role of this variant in disease. Therefore, it has been classified as a Variant of Uncertain Significance.

NM_001040108.2(MLH3):c.3959G>T (p.Arg1320Ile)

Gene: MLH3 (mutL homolog 3; minus strand). Cytogenetic location: 14q24.3.
Variant type: single nucleotide variant.
Coding change: c.3959G>T on transcript NM_001040108.2 (MANE Select); coding-DNA position 3959, G replaced by T.
Protein change: p.Arg1320Ile; replaces arginine 1320 with isoleucine.
Molecular consequence: missense variant.
Genome position (GRCh38, 1-based): chr14:75,030,571, C>A on the plus strand (G>T on the coding strand, the complement: MLH3 is on the minus strand). VCF-style: chr14-75030571-C-A. GRCh37 (hg19) VCF-style: chr14-75497274-C-A.
Other names: c.3887G>T, p.Arg1296Ile (NM_014381.3); short protein forms R1296I, R1320I.
Identifiers: ClinVar variation 2889333 (VCV002889333.5), dbSNP rs769478973, ClinGen allele CA7275288.